The following is an entry in ClinVar:

NM_006000.3(TUBA4A):c.1083T>C (p.Thr361=)

Gene: TUBA4A (tubulin alpha 4a; minus strand). Cytogenetic location: 2q35.
Variant type: single nucleotide variant.
Coding change: c.1083T>C on transcript NM_006000.3 (MANE Select); coding-DNA position 1083, T replaced by C.
Protein change: p.Thr361=; no amino-acid change (threonine 361 retained).
Molecular consequence: synonymous variant.
Genome position (GRCh38, 1-based): chr2:219,250,616, A>G on the plus strand (T>C on the coding strand, the complement: TUBA4A is on the minus strand). VCF-style: chr2-219250616-A-G. GRCh37 (hg19) VCF-style: chr2-220115338-A-G.
Other names: c.1038T>C, p.Thr346= (NM_001278552.2).
Identifiers: ClinVar variation 3030019 (VCV003030019.3), dbSNP rs1221449097, ClinGen allele CA431426059.

ClinVar aggregate classification (germline): Likely benign. Review status: criteria provided, single submitter (1 of 4 stars). 2 submissions from 2 submitters: Likely benign (1). 1 of the submissions does not count toward it. Last evaluated 2022-06-27.

Conditions:
TUBA4A-related disorder. Also called: TUBA4A-related condition.

Allele frequency attached by ClinVar (database versions not stated): gnomAD 0.00001; gnomAD exomes 0.00001; TOPMed 0.00002.
gnomAD v4.1: 5 of 1,614,142 alleles (0.00031%); highest among the groups gnomAD compares: South Asian, 0.0011%; no homozygotes.

Submissions (2):

Blueprint Genetics
Classification: Likely benign. Last evaluated: 2022-06-27. Review status: criteria provided, single submitter. Criteria: ACMG Guidelines, 2015. Collection method: clinical testing. Allele origin: germline.

PreventionGenetics, part of Exact Sciences
Classification: Likely benign for TUBA4A-related condition. Last evaluated: 2023-07-12. Review status: no assertion criteria provided. Collection method: clinical testing. Allele origin: germline. Not counted in ClinVar's aggregate classification.
Comment: This variant is classified as likely benign based on ACMG/AMP sequence variant interpretation guidelines (Richards et al. 2015 PMID: 25741868, with internal and published modifications).